The following is an entry in ClinVar:

NM_147130.3(NCR3):c.605G>A (p.Ter202=)

Gene: NCR3 (natural cytotoxicity triggering receptor 3; minus strand). Cytogenetic location: 6p21.33.
Variant type: single nucleotide variant.
Coding change: c.605G>A on transcript NM_147130.3 (MANE Select); coding-DNA position 605, G replaced by A.
Protein change: p.Ter202=.
Molecular consequence: synonymous variant. On other transcripts: 3 prime UTR variant (1).
Genome position (GRCh38, 1-based): chr6:31,589,068, C>T on the plus strand (G>A on the coding strand, the complement: NCR3 is on the minus strand). VCF-style: chr6-31589068-C-T. GRCh37 (hg19) VCF-style: chr6-31556845-C-T.
Other names: c.*126G>A (NM_001145466.2).
Identifiers: ClinVar variation 3050030 (VCV003050030.2), dbSNP rs372392940, ClinGen allele CA3714508.

ClinVar aggregate classification (germline): Likely benign (0 of 4 stars; one submission).

Conditions:
NCR3-related disorder. Also called: NCR3-related condition.

Allele frequency attached by ClinVar (database versions not stated): ExAC 0.00002; gnomAD exomes 0.00003; TOPMed 0.00006; gnomAD 0.00007; ESP Exome Variant Server 0.00015.

Submission:

PreventionGenetics, part of Exact Sciences
Classification: Likely benign for NCR3-related condition. Last evaluated: 2019-07-15. Review status: no assertion criteria provided. Collection method: clinical testing. Allele origin: germline.
Comment: This variant is classified as likely benign based on ACMG/AMP sequence variant interpretation guidelines (Richards et al. 2015 PMID: 25741868, with internal and published modifications).